The following is an entry in ClinVar:

NM_022114.4(PRDM16):c.3110T>C (p.Val1037Ala)

Gene: PRDM16 (PR/SET domain 16; plus strand). Cytogenetic location: 1p36.32.
Variant type: single nucleotide variant.
Coding change: c.3110T>C on transcript NM_022114.4 (MANE Select); coding-DNA position 3110, T replaced by C.
Protein change: p.Val1037Ala; replaces valine 1037 with alanine.
Molecular consequence: missense variant.
Genome position (GRCh38, 1-based): chr1:3,426,051, T>C. VCF-style: chr1-3426051-T-C. GRCh37 (hg19) VCF-style: chr1-3342615-T-C.
Other names: c.3110T>C, p.Val1037Ala (NM_199454.3); short protein forms V1037A.
Identifiers: ClinVar variation 1054873 (VCV001054873.9), dbSNP rs961514818, ClinGen allele CA16984968.
Genomic context (GRCh38, chr1:3,426,051, plus strand): 5'-GCCCCACGGAGGGAGGGGTCCAGCGAGAGGCCGCCCCCTGATGCTCCCGCCCCTCCGCAG[T>C]GAGCCAGCACCCCGGGGTCCTCACGAACCACCTGGGGACCAGCGCGTCCTCTCCCACCTC-3'
Protein context (NP_071397.3, residues 1027-1047): LKKHEHENAP[Val1037Ala]SQHPGVLTNH

ClinVar aggregate classification (germline): Uncertain significance (1 of 4 stars; one submission).

Conditions:
Left ventricular noncompaction 8 (LVNC8). Identifiers: Orphanet 154, Orphanet 54260, MedGen C3809288, MONDO:0014152, OMIM 615373.

Submission:

Labcorp Genetics (formerly Invitae), Labcorp
Classification: Uncertain significance for Left ventricular noncompaction 8. Last evaluated: 2020-02-27. Review status: criteria provided, single submitter. Criteria: Invitae Variant Classification Sherloc (09022015). Collection method: clinical testing. Allele origin: germline.
Comment: This sequence change replaces valine with alanine at codon 1037 of the PRDM16 protein (p.Val1037Ala). The valine residue is moderately conserved and there is a small physicochemical difference between valine and alanine. In summary, the available evidence is currently insufficient to determine the role of this variant in disease. Therefore, it has been classified as a Variant of Uncertain Significance. Algorithms developed to predict the effect of missense changes on protein structure and function are either unavailable or do not agree on the potential impact of this missense change (SIFT: "Deleterious"; PolyPhen-2: "Benign"; Align-GVGD: "Class C0"). This variant has not been reported in the literature in individuals with PRDM16-related conditions. This variant is not present in population databases (ExAC no frequency).